The following is an entry in ClinVar:

NM_000059.4(BRCA2):c.5183A>C (p.Asp1728Ala)

Gene: BRCA2 (BRCA2 DNA repair associated; plus strand). Cytogenetic location: 13q13.1.
Variant type: single nucleotide variant.
Coding change: c.5183A>C on transcript NM_000059.4 (MANE Select); coding-DNA position 5183, A replaced by C.
Protein change: p.Asp1728Ala; replaces aspartic acid 1728 with alanine.
Molecular consequence: missense variant. On other transcripts: non-coding transcript variant (1), intron variant (2).
Genome position (GRCh38, 1-based): chr13:32,339,538, A>C. VCF-style: chr13-32339538-A-C. GRCh37 (hg19) VCF-style: chr13-32913675-A-C.
Other names: c.5183A>C, p.Asp1728Ala (NM_001406719.1, NM_001406720.1); c.1910-5020A>C (NM_001406721.1); c.425-5020A>C (NM_001406722.1); short protein forms D1728A.
Identifiers: ClinVar variation 2451568 (VCV002451568.2), dbSNP rs2072522598, ClinGen allele CA387784557.

ClinVar aggregate classification (germline): Uncertain significance (1 of 4 stars; one submission).

Conditions:
Hereditary cancer-predisposing syndrome. Also called: Neoplastic Syndromes, Hereditary; Tumor predisposition; Hereditary neoplastic syndrome; Hereditary Cancer Syndrome. Identifiers: Orphanet 140162, MedGen C0027672, MeSH D009386, MONDO:0015356.

Submission:

Ambry Genetics
Classification: Uncertain significance for Hereditary cancer-predisposing syndrome. Last evaluated: 2023-02-23. Review status: criteria provided, single submitter. Criteria: Ambry Variant Classification Scheme 2023. Collection method: clinical testing. Allele origin: germline.
Comment: The p.D1728A variant (also known as c.5183A>C), located in coding exon 10 of the BRCA2 gene, results from an A to C substitution at nucleotide position 5183. The aspartic acid at codon 1728 is replaced by alanine, an amino acid with dissimilar properties. This amino acid position is conserved. In addition, this alteration is predicted to be tolerated by in silico analysis. Since supporting evidence is limited at this time, the clinical significance of this alteration remains unclear.